The following is an entry in ClinVar:

ClinVar aggregate classification (germline): Uncertain significance (1 of 4 stars; one submission).

Conditions:
Kleefstra syndrome 1 (KLEFS1). Identifiers: Orphanet 261494, MedGen C0795833, MONDO:0027407, OMIM 610253.

Allele frequency attached by ClinVar (database versions not stated): gnomAD 0.00001; gnomAD exomes below 0.00001; TOPMed 0.00001.
gnomAD v4.1: 3 of 1,611,640 alleles (0.00019%); highest among the groups gnomAD compares: African/African-American, 0.004%; no homozygotes.

Submission:

Labcorp Genetics (formerly Invitae), Labcorp
Classification: Uncertain significance for Kleefstra syndrome 1. Last evaluated: 2022-08-23. Review status: criteria provided, single submitter. Criteria: Invitae Variant Classification Sherloc (09022015). Collection method: clinical testing. Allele origin: germline.
Comment: In summary, the available evidence is currently insufficient to determine the role of this variant in disease. Therefore, it has been classified as a Variant of Uncertain Significance. Algorithms developed to predict the effect of missense changes on protein structure and function are either unavailable or do not agree on the potential impact of this missense change (SIFT: "Deleterious"; PolyPhen-2: "Probably Damaging"; Align-GVGD: "Class C0"). ClinVar contains an entry for this variant (Variation ID: 836719). This variant has not been reported in the literature in individuals affected with EHMT1-related conditions. This variant is not present in population databases (gnomAD no frequency). This sequence change replaces lysine, which is basic and polar, with glutamic acid, which is acidic and polar, at codon 330 of the EHMT1 protein (p.Lys330Glu).

NM_024757.5(EHMT1):c.988A>G (p.Lys330Glu)

Gene: EHMT1 (euchromatic histone lysine methyltransferase 1; plus strand). Cytogenetic location: 9q34.3.
Variant type: single nucleotide variant.
Coding change: c.988A>G on transcript NM_024757.5 (MANE Select); coding-DNA position 988, A replaced by G.
Protein change: p.Lys330Glu; replaces lysine 330 with glutamic acid.
Molecular consequence: missense variant.
Genome position (GRCh38, 1-based): chr9:137,743,908, A>G. VCF-style: chr9-137743908-A-G. GRCh37 (hg19) VCF-style: chr9-140638360-A-G.
Other names: c.988A>G, p.Lys330Glu (NM_001145527.2, NM_001354611.2); c.895A>G, p.Lys299Glu (NM_001354259.2, NM_001354612.2); c.967A>G, p.Lys323Glu (NM_001354263.2); short protein forms K299E, K330E, K323E.
Identifiers: ClinVar variation 836719 (VCV000836719.10), dbSNP rs1948327170, ClinGen allele CA375778696.